The following is an entry in ClinVar:

NM_015443.4(KANSL1):c.1453G>A (p.Val485Ile)

Gene: KANSL1 (KAT8 regulatory NSL complex subunit 1). Cytogenetic location: 17q21.31.
Variant type: single nucleotide variant.
Coding change: c.1453G>A on transcript NM_015443.4 (MANE Select); coding-DNA position 1453, G replaced by A.
Protein change: p.Val485Ile; replaces valine 485 with isoleucine.
Molecular consequence: missense variant. On other transcripts: intron variant (4).
Genome position (GRCh38, 1-based): chr17:46,082,521, C>T on the plus strand (G>A on the coding strand, the complement: KANSL1 is on the minus strand). VCF-style: chr17-46082521-C-T. GRCh37 (hg19) VCF-style: chr17-44159887-C-T.
Other names: c.1453G>A, p.Val485Ile (NM_001405875.1, NM_001405876.1, NM_001405877.1 and 14 more transcripts); c.187G>A, p.Val63Ile (NM_001405882.1, NM_001405883.1, NM_001405884.1 and 1 more transcripts); c.1431+12039G>A (NM_001405881.1, NM_001405861.1, NM_001405859.1 and 1 more transcripts); short protein forms V485I, V63I.
Identifiers: ClinVar variation 4084580 (VCV004084580.8).

ClinVar aggregate classification (germline): Likely benign (1 of 4 stars; one submission).

gnomAD v4.1: 5 of 1,610,520 alleles (0.00031%); highest among the groups gnomAD compares: Non-Finnish European, 0.00042%; no homozygotes.

Submission:

CeGaT Center for Human Genetics Tuebingen
Classification: Likely benign. Last evaluated: 2025-08-01. Review status: criteria provided, single submitter. Criteria: CeGaT Center For Human Genetics Tuebingen Variant Classification Criteria Version 2. Collection method: clinical testing. Allele origin: germline. Affected: yes. Observed: 1 variant allele.
Comment: KANSL1: BP4